The following is an entry in ClinVar:

NM_001283009.2(RTEL1):c.1025C>G (p.Thr342Ser)

Genes: RTEL1 (regulator of telomere elongation helicase 1; plus strand), RTEL1-TNFRSF6B (RTEL1-TNFRSF6B readthrough (NMD candidate); plus strand). Cytogenetic location: 20q13.33.
Variant type: single nucleotide variant.
Coding change: c.1025C>G on transcript NM_001283009.2 (MANE Select); coding-DNA position 1025, C replaced by G.
Protein change: p.Thr342Ser; replaces threonine 342 with serine.
Molecular consequence: missense variant. On other transcripts: non-coding transcript variant (1).
Genome position (GRCh38, 1-based): chr20:63,678,334, C>G. VCF-style: chr20-63678334-C-G. GRCh37 (hg19) VCF-style: chr20-62309687-C-G.
Other names: c.356C>G, p.Thr119Ser (NM_001283010.1); c.1025C>G, p.Thr342Ser (NM_016434.4); c.1097C>G, p.Thr366Ser (NM_032957.5); short protein forms T342S, T119S, T366S.
Identifiers: ClinVar variation 3791131 (VCV003791131.1).

ClinVar aggregate classification (germline): Uncertain significance (1 of 4 stars; one submission).

Conditions:
Inborn genetic diseases. Identifiers: MedGen C0950123, MeSH D030342.

gnomAD v4.1: 3 of 1,612,386 alleles (0.00019%); highest among the groups gnomAD compares: Admixed American, 0.005%; no homozygotes.

Submission:

Ambry Genetics
Classification: Uncertain significance for Inborn genetic diseases. Last evaluated: 2025-02-08. Review status: criteria provided, single submitter. Criteria: Ambry Variant Classification Scheme 2023. Collection method: clinical testing. Allele origin: germline.
Comment: The p.T342S variant (also known as c.1025C>G), located in coding exon 11 of the RTEL1 gene, results from a C to G substitution at nucleotide position 1025. The threonine at codon 342 is replaced by serine, an amino acid with similar properties. This amino acid position is conserved. In addition, the in silico prediction for this alteration is inconclusive. Based on the available evidence, the clinical significance of this variant remains unclear.